The following is an entry in ClinVar:

NM_001079872.2(CUL4B):c.*552T>C

Gene: CUL4B (cullin 4B; minus strand). Cytogenetic location: Xq24.
Variant type: single nucleotide variant.
Coding change: c.*552T>C on transcript NM_001079872.2 (MANE Select); 552 bases downstream of the stop codon, T replaced by C.
Molecular consequence: 3 prime UTR variant.
Genome position (GRCh38, 1-based): chrX:120,526,209, A>G on the plus strand (T>C on the coding strand, the complement: CUL4B is on the minus strand). VCF-style: chrX-120526209-A-G. GRCh37 (hg19) VCF-style: chrX-119660064-A-G.
Other names: c.*552T>C (NM_001330624.2, NM_001369145.1, NM_003588.4).
Identifiers: ClinVar variation 1676449 (VCV001676449.3), dbSNP rs1445049732, ClinGen allele CA644087448.

ClinVar aggregate classification (germline): Uncertain significance (1 of 4 stars; one submission).

gnomAD v4.1: 2 of 112,446 alleles (0.0018%); highest among the groups gnomAD compares: East Asian, 0.056%; no homozygotes.

Submission:

Greenwood Genetic Center Diagnostic Laboratories, Greenwood Genetic Center
Classification: Uncertain significance. Last evaluated: 2022-02-17. Review status: criteria provided, single submitter. Criteria: ACMG Guidelines, 2015. Collection method: clinical testing. Allele origin: germline. Affected: yes.
Comment: PM2